The following is an entry in ClinVar:

NM_000081.4(LYST):c.10759G>A (p.Gly3587Ser)

Gene: LYST (lysosomal trafficking regulator; minus strand). Cytogenetic location: 1q42.3.
Variant type: single nucleotide variant.
Coding change: c.10759G>A on transcript NM_000081.4 (MANE Select); coding-DNA position 10759, G replaced by A.
Protein change: p.Gly3587Ser; replaces glycine 3587 with serine.
Molecular consequence: missense variant.
Genome position (GRCh38, 1-based): chr1:235,686,990, C>T on the plus strand (G>A on the coding strand, the complement: LYST is on the minus strand). VCF-style: chr1-235686990-C-T. GRCh37 (hg19) VCF-style: chr1-235850290-C-T.
Other names: c.10759G>A, p.Gly3587Ser (NM_001301365.1); short protein forms G3587S.
Identifiers: ClinVar variation 1478294 (VCV001478294.6), dbSNP rs772795575, ClinGen allele CA1465292.
Genomic context (GRCh38, chr1:235,686,990, plus strand): 5'-ACAGAAGCCCAGAACCTACCGTGCTGCTTGTAAATCTGTTTGTGTAGGCTGTGATGACAC[C>T]GCATTTGCTTCCAGTAAACAGCTGGCAACTGTCAGGCACCCAAGCACAACTAGTCACCTT-3'
Protein context (NP_000072.2, residues 3577-3597): SCQLFTGSKC[Gly3587Ser]VITAYTNRFT

ClinVar aggregate classification (germline): Uncertain significance (1 of 4 stars; one submission).

Conditions:
Chédiak-Higashi syndrome (CHS). Also called: Chediak-Higashi Syndrome. Identifiers: Orphanet 167, MedGen C0007965, MONDO:0008963, OMIM 214500.

Allele frequency attached by ClinVar (database versions not stated): gnomAD exomes below 0.00001; gnomAD 0.00001; ExAC 0.00002; TOPMed 0.00002.

Submission:

Labcorp Genetics (formerly Invitae), Labcorp
Classification: Uncertain significance for Chédiak-Higashi syndrome. Last evaluated: 2022-08-23. Review status: criteria provided, single submitter. Criteria: Invitae Variant Classification Sherloc (09022015). Collection method: clinical testing. Allele origin: germline.
Comment: ClinVar contains an entry for this variant (Variation ID: 1478294). Algorithms developed to predict the effect of missense changes on protein structure and function are either unavailable or do not agree on the potential impact of this missense change (SIFT: "Deleterious"; PolyPhen-2: "Probably Damaging"; Align-GVGD: "Class C0"). In summary, the available evidence is currently insufficient to determine the role of this variant in disease. Therefore, it has been classified as a Variant of Uncertain Significance. This variant has not been reported in the literature in individuals affected with LYST-related conditions. This sequence change replaces glycine, which is neutral and non-polar, with serine, which is neutral and polar, at codon 3587 of the LYST protein (p.Gly3587Ser). This variant is present in population databases (rs772795575, gnomAD 0.006%).